The following is an entry in ClinVar:

ClinVar aggregate classification (germline): Pathogenic (1 of 4 stars; one submission).

Conditions:
Torsion dystonia 6 (DYT6). Also called: DYT-THAP1. Identifiers: Orphanet 98806, MedGen C1414216, MONDO:0011264, OMIM 602629.

Submission:

Labcorp Genetics (formerly Invitae), Labcorp
Classification: Pathogenic for Torsion dystonia 6. Last evaluated: 2025-09-02. Review status: criteria provided, single submitter. Criteria: Invitae Variant Classification Sherloc (09022015). Collection method: clinical testing. Allele origin: germline.
Comment: This sequence change creates a premature translational stop signal (p.Trp36*) in the THAP1 gene. It is expected to result in an absent or disrupted protein product. Loss-of-function variants in THAP1 are known to be pathogenic (PMID: 19345147). This variant is not present in population databases (gnomAD no frequency). This variant has not been reported in the literature in individuals affected with THAP1-related conditions. ClinVar contains an entry for this variant (Variation ID: 1406166). For these reasons, this variant has been classified as Pathogenic.

Literature cited by the submitters: PubMed 19345147.

NM_018105.3(THAP1):c.108G>A (p.Trp36Ter)

Gene: THAP1 (THAP domain containing 1; minus strand). Cytogenetic location: 8p11.21.
Variant type: single nucleotide variant.
Coding change: c.108G>A on transcript NM_018105.3 (MANE Select); coding-DNA position 108, G replaced by A.
Protein change: p.Trp36Ter; replaces tryptophan 36 with a stop codon.
Molecular consequence: nonsense. On other transcripts: intron variant (1).
Genome position (GRCh38, 1-based): chr8:42,839,345, C>T on the plus strand (G>A on the coding strand, the complement: THAP1 is on the minus strand). VCF-style: chr8-42839345-C-T. GRCh37 (hg19) VCF-style: chr8-42694488-C-T.
Other names: c.72-1009G>A (NM_199003.2); short protein forms W36*.
Identifiers: ClinVar variation 1406166 (VCV001406166.6), dbSNP rs2128918637, ClinGen allele CA371108180.